The following is an entry in ClinVar:

ClinVar aggregate classification (germline): Benign. Review status: criteria provided, single submitter (1 of 4 stars). 2 submissions from 1 submitter: Benign (2). Last evaluated 2019-07-11.

Conditions:
C2-related disorder. Also called: C2-related disorders; C2-related condition.
ZBTB12-related disorder. Also called: ZBTB12-related condition.

Allele frequency attached by ClinVar (database versions not stated): gnomAD 0.00966; ESP Exome Variant Server 0.01030; ExAC 0.00339; 1000 Genomes Project 0.00899; 1000 Genomes Project 30x 0.00984; TOPMed 0.01064.
gnomAD v4.1: 3,488 of 1,614,196 alleles (0.22%); highest among the groups gnomAD compares: African/African-American, 2.9%; 39 homozygotes.

Submissions (2):

PreventionGenetics, part of Exact Sciences
Classification: Benign for ZBTB12-related condition. Last evaluated: 2019-07-11. Review status: criteria provided, single submitter. Criteria: ACMG Guidelines, 2015. Collection method: clinical testing. Allele origin: germline.
Comment: This variant is classified as benign based on ACMG/AMP sequence variant interpretation guidelines (Richards et al. 2015 PMID: 25741868, with internal and published modifications).

PreventionGenetics, part of Exact Sciences
Classification: Benign for C2-related condition. Last evaluated: 2019-07-11. Review status: criteria provided, single submitter. Criteria: ACMG Guidelines, 2015. Collection method: clinical testing. Allele origin: germline.
Comment: the same text as in the submission from PreventionGenetics, part of Exact Sciences above.

NM_181842.3(ZBTB12):c.240C>T (p.Ile80=)

Genes: C2 (complement C2; plus strand), ZBTB12 (zinc finger and BTB domain containing 12; minus strand). Cytogenetic location: 6p21.33.
Variant type: single nucleotide variant.
Coding change: c.240C>T on transcript NM_181842.3 (MANE Select); coding-DNA position 240, C replaced by T.
Protein change: p.Ile80=; no amino-acid change (isoleucine 80 retained).
Molecular consequence: synonymous variant. On other transcripts: 5 prime UTR variant (1), intron variant (1).
Genome position (GRCh38, 1-based): chr6:31,901,066, G>A on the plus strand (C>T on the coding strand, the complement: ZBTB12 is on the minus strand). VCF-style: chr6-31901066-G-A. GRCh37 (hg19) VCF-style: chr6-31868843-G-A.
Other names: c.-1G>A (NM_001178063.3); c.-64+3124G>A (NM_001282457.2).
Identifiers: ClinVar variation 3038897 (VCV003038897.1), dbSNP rs148838488, ClinGen allele CA3727205.
Genomic context (GRCh38, chr6:31,901,066, plus strand): 5'-GATGTCCCTAACAGCGAATTCCAAGGCGCCCGTGTAGCAGGAGAGGAGCAAGTCGGCCAC[G>A]ATGCGTGCACTGTGCATCAGGGAGACCTGCAGCTCCGAGCTGGGGTTCAGCAGGAACTGG-3'
Protein context (NP_862825.1, residues 70-90): LQVSLMHSAR[Ile80=]VADLLLSCYT